The following is an entry in ClinVar:

ClinVar aggregate classification (germline): Uncertain significance (1 of 4 stars; one submission).

gnomAD v4.1: 5 of 1,613,330 alleles (0.00031%); highest among the groups gnomAD compares: South Asian, 0.0022%; no homozygotes.

Submission:

Labcorp Genetics (formerly Invitae), Labcorp
Classification: Uncertain significance. Last evaluated: 2024-03-01. Review status: criteria provided, single submitter. Criteria: Invitae Variant Classification Sherloc (09022015). Collection method: clinical testing. Allele origin: germline.
Comment: This sequence change replaces histidine, which is basic and polar, with arginine, which is basic and polar, at codon 1231 of the SUCO protein (p.His1231Arg). This variant is not present in population databases (gnomAD no frequency). This variant has not been reported in the literature in individuals affected with SUCO-related conditions. An algorithm developed to predict the effect of missense changes on protein structure and function (PolyPhen-2) suggests that this variant is likely to be disruptive. In summary, the available evidence is currently insufficient to determine the role of this variant in disease. Therefore, it has been classified as a Variant of Uncertain Significance.

NM_014283.5(SUCO):c.3692A>G (p.His1231Arg)

Gene: SUCO (SUN domain containing ossification factor; plus strand). Cytogenetic location: 1q24.3.
Variant type: single nucleotide variant.
Coding change: c.3692A>G on transcript NM_014283.5 (MANE Select); coding-DNA position 3692, A replaced by G.
Protein change: p.His1231Arg; replaces histidine 1231 with arginine.
Molecular consequence: missense variant.
Genome position (GRCh38, 1-based): chr1:172,610,186, A>G. VCF-style: chr1-172610186-A-G. GRCh37 (hg19) VCF-style: chr1-172579326-A-G.
Other names: c.2579A>G, p.His860Arg (NM_001282750.2); c.2003A>G, p.His668Arg (NM_001282751.2); c.4145A>G, p.His1382Arg (NM_016227.4); short protein forms H1231R, H1382R, H860R, H668R.
Identifiers: ClinVar variation 3710733 (VCV003710733.2).